The following is an entry in ClinVar:

NM_001282717.2(STAG3):c.3294G>T (p.Gln1098His)

Gene: STAG3 (STAG3 cohesin complex component; plus strand). Cytogenetic location: 7q22.1.
Variant type: single nucleotide variant.
Coding change: c.3294G>T on transcript NM_001282717.2 (MANE Select); coding-DNA position 3294, G replaced by T.
Protein change: p.Gln1098His; replaces glutamine 1098 with histidine.
Molecular consequence: missense variant. On other transcripts: non-coding transcript variant (1).
Genome position (GRCh38, 1-based): chr7:100,211,066, G>T. VCF-style: chr7-100211066-G-T. GRCh37 (hg19) VCF-style: chr7-99808689-G-T.
Other names: c.3294G>T, p.Gln1098His (NM_001282716.1, NM_001375438.1, NM_012447.4); c.3120G>T, p.Gln1040His (NM_001282718.2); short protein forms Q1098H, Q1040H.
Identifiers: ClinVar variation 2315161 (VCV002315161.16), dbSNP rs147584531, ClinGen allele CA4379012.

ClinVar aggregate classification (germline): Conflicting classifications of pathogenicity. Review status: criteria provided, conflicting classifications (1 of 4 stars). 2 submissions from 2 submitters: Uncertain significance (1); Likely benign (1). Last evaluated 2024-11-01.

Conditions:
Inborn genetic diseases. Identifiers: MedGen C0950123, MeSH D030342.

Allele frequency attached by ClinVar (database versions not stated): ExAC 0.00031; ESP Exome Variant Server 0.00031; TOPMed 0.00037; 1000 Genomes Project 0.00040; gnomAD 0.00040; gnomAD exomes 0.00084; 1000 Genomes Project 30x 0.00031.
gnomAD v4.1: 1,264 of 1,614,042 alleles (0.078%); highest among the groups gnomAD compares: Non-Finnish European, 0.1%; 3 homozygotes.

Submissions (2):

CeGaT Center for Human Genetics Tuebingen
Classification: Likely benign. Last evaluated: 2024-11-01. Review status: criteria provided, single submitter. Criteria: CeGaT Center For Human Genetics Tuebingen Variant Classification Criteria Version 2. Collection method: clinical testing. Allele origin: germline. Affected: yes. Observed: 1 variant allele.
Comment: STAG3: BP4, BS2

Ambry Genetics
Classification: Uncertain significance for Inborn genetic diseases. Last evaluated: 2021-08-02. Review status: criteria provided, single submitter. Criteria: Ambry Variant Classification Scheme 2023. Collection method: clinical testing. Allele origin: germline.